The following is an entry in ClinVar:

NM_001367721.1(CASK):c.2048C>T (p.Ala683Val)

Gene: CASK (calcium/calmodulin dependent serine protein kinase; minus strand). Cytogenetic location: Xp11.4.
Variant type: single nucleotide variant.
Coding change: c.2048C>T on transcript NM_001367721.1 (MANE Select); coding-DNA position 2048, C replaced by T.
Protein change: p.Ala683Val; replaces alanine 683 with valine.
Molecular consequence: missense variant.
Genome position (GRCh38, 1-based): chrX:41,542,798, G>A on the plus strand (C>T on the coding strand, the complement: CASK is on the minus strand). VCF-style: chrX-41542798-G-A. GRCh37 (hg19) VCF-style: chrX-41402051-G-A.
Other names: c.1979C>T, p.Ala660Val (NM_001126054.3); c.1961C>T, p.Ala654Val (NM_001126055.3); c.2030C>T, p.Ala677Val (NM_001410745.1); c.2048C>T, p.Ala683Val (NM_003688.4); short protein forms A683V, A660V, A654V, A677V.
Identifiers: ClinVar variation 537748 (VCV000537748.10), dbSNP rs767030499, ClinGen allele CA10390079.

ClinVar aggregate classification (germline): Uncertain significance (1 of 4 stars; one submission).

Conditions:
Intellectual disability, CASK-related, X-linked. Identifiers: MedGen CN043158.

Allele frequency attached by ClinVar (database versions not stated): gnomAD exomes below 0.00001 and 0.00001; ExAC 0.00001.
gnomAD v4.1: 3 of 1,144,245 alleles (0.00026%); highest among the groups gnomAD compares: Admixed American, 0.0044%; no homozygotes.

Submission:

Labcorp Genetics (formerly Invitae), Labcorp
Classification: Uncertain significance for Intellectual disability, CASK-related, X-linked. Last evaluated: 2022-04-01. Review status: criteria provided, single submitter. Criteria: Invitae Variant Classification Sherloc (09022015). Collection method: clinical testing. Allele origin: germline.
Comment: In summary, the available evidence is currently insufficient to determine the role of this variant in disease. Therefore, it has been classified as a Variant of Uncertain Significance. Algorithms developed to predict the effect of missense changes on protein structure and function (SIFT, PolyPhen-2, Align-GVGD) all suggest that this variant is likely to be disruptive. ClinVar contains an entry for this variant (Variation ID: 537748). This variant has not been reported in the literature in individuals affected with CASK-related conditions. This variant is present in population databases (rs767030499, gnomAD 0.004%), including at least one homozygous and/or hemizygous individual. This sequence change replaces alanine, which is neutral and non-polar, with valine, which is neutral and non-polar, at codon 683 of the CASK protein (p.Ala683Val).